The following is an entry in ClinVar:

NM_144643.4(SCLT1):c.1338G>A (p.Leu446=)

Gene: SCLT1 (sodium channel and clathrin linker 1; minus strand). Cytogenetic location: 4q28.2.
Variant type: single nucleotide variant.
Coding change: c.1338G>A on transcript NM_144643.4 (MANE Select); coding-DNA position 1338, G replaced by A.
Protein change: p.Leu446=; no amino-acid change (leucine 446 retained).
Molecular consequence: synonymous variant.
Genome position (GRCh38, 1-based): chr4:128,946,108, C>T on the plus strand (G>A on the coding strand, the complement: SCLT1 is on the minus strand). VCF-style: chr4-128946108-C-T. GRCh37 (hg19) VCF-style: chr4-129867263-C-T.
Other names: c.1338G>A (NM_144643.3).
Identifiers: ClinVar variation 1554490 (VCV001554490.9), dbSNP rs369280416, ClinGen allele CA3079645.

ClinVar aggregate classification (germline): Likely benign. Review status: criteria provided, multiple submitters, no conflicts (2 of 4 stars). 2 submissions from 2 submitters: Likely benign (2). Last evaluated 2025-06-19.

Conditions:
SCLT1-related disorder. Also called: SCLT1-related condition.

Allele frequency attached by ClinVar (database versions not stated): ExAC 0.00002; gnomAD exomes 0.00002; gnomAD 0.00006 and 0.00007; TOPMed 0.00007; ESP Exome Variant Server 0.00023.
gnomAD v4.1: 14 of 1,608,952 alleles (0.00087%); highest among the groups gnomAD compares: African/African-American, 0.017%; no homozygotes.

Submissions (2):

PreventionGenetics, part of Exact Sciences
Classification: Likely benign for SCLT1-related condition. Last evaluated: 2025-06-19. Review status: criteria provided, single submitter. Criteria: ACMG Guidelines, 2015. Collection method: clinical testing. Allele origin: germline.
Comment: This variant is classified as likely benign based on ACMG/AMP sequence variant interpretation guidelines (Richards et al. 2015 PMID: 25741868, with internal and published modifications).

Labcorp Genetics (formerly Invitae), Labcorp
Classification: Likely benign. Last evaluated: 2024-10-24. Review status: criteria provided, single submitter. Criteria: Invitae Variant Classification Sherloc (09022015). Collection method: clinical testing. Allele origin: germline.